The following is an entry in ClinVar:

NM_001370259.2(MEN1):c.1475C>G (p.Pro492Arg)

Gene: MEN1 (menin 1; minus strand). Cytogenetic location: 11q13.1.
Variant type: single nucleotide variant.
Coding change: c.1475C>G on transcript NM_001370259.2 (MANE Select); coding-DNA position 1475, C replaced by G.
Protein change: p.Pro492Arg; replaces proline 492 with arginine.
Molecular consequence: missense variant. On other transcripts: non-coding transcript variant (4).
Genome position (GRCh38, 1-based): chr11:64,804,692, G>C on the plus strand (C>G on the coding strand, the complement: MEN1 is on the minus strand). VCF-style: chr11-64804692-G-C. GRCh37 (hg19) VCF-style: chr11-64572164-G-C.
Other names: c.1490C>G, p.Pro497Arg (NM_000244.4, NM_130800.3, NM_130801.3 and 4 more transcripts); c.1601C>G, p.Pro534Arg (NM_001370251.2, NM_001407142.1, NM_001407143.1 and 1 more transcripts); c.1475C>G, p.Pro492Arg (NM_001370260.2, NM_001370261.2, NM_130799.3 and 2 more transcripts); c.1370C>G, p.Pro457Arg (NM_001370262.2, NM_001370263.2, NM_001407148.1 and 1 more transcripts); c.1616C>G, p.Pro539Arg (NM_001407150.1); c.1496C>G, p.Pro499Arg (NM_001407151.1); c.1310C>G, p.Pro437Arg (NM_001407152.1); short protein forms P437R, P457R, P492R, P497R, P499R, P534R, P539R.
Identifiers: ClinVar variation 3229064 (VCV003229064.5), dbSNP rs1025851127, ClinGen allele CA381179065.
Genomic context (GRCh38, chr11:64,804,692, plus strand): 5'-GACACTGCACCCTGGCCGGTGCCCAGGCCCTTGTCCAGTGCTGGCTTCTTGGGCGGCGGG[G>C]GCTCCTCTGGCTTGGACTCCCGCCGTGGGCCCCGCCGCCGGCCTTCCCGGGCTTCCTCGC-3'
Protein context (NP_001357188.2, residues 482-502): GPRRESKPEE[Pro492Arg]PPPKKPALDK

ClinVar aggregate classification (germline): Uncertain significance. Review status: criteria provided, multiple submitters, no conflicts (2 of 4 stars). 3 submissions from 3 submitters: Uncertain significance (3). Last evaluated 2024-03-14.

Conditions:
Multiple endocrine neoplasia, type 1 (MEN1). Also called: MEA I; MEN I; WERMER SYNDROME; Endocrine adenomatosis multiple; MEN 1. Identifiers: Orphanet 652, MedGen C0025267, MeSH D018761, MONDO:0007540, OMIM 131100.
Hereditary cancer-predisposing syndrome. Also called: Hereditary Cancer Syndrome; Hereditary neoplastic syndrome; Neoplastic Syndromes, Hereditary; Tumor predisposition. Identifiers: Orphanet 140162, MedGen C0027672, MeSH D009386, MONDO:0015356.

Submissions (3):

Labcorp Genetics (formerly Invitae), Labcorp
Classification: Uncertain significance for Multiple endocrine neoplasia, type 1. Last evaluated: 2024-03-14. Review status: criteria provided, single submitter. Criteria: Invitae Variant Classification Sherloc (09022015). Collection method: clinical testing. Allele origin: germline.
Comment: This sequence change replaces proline, which is neutral and non-polar, with arginine, which is basic and polar, at codon 492 of the MEN1 protein (p.Pro492Arg). This variant is not present in population databases (gnomAD no frequency). This variant has not been reported in the literature in individuals affected with MEN1-related conditions. Advanced modeling of protein sequence and biophysical properties (such as structural, functional, and spatial information, amino acid conservation, physicochemical variation, residue mobility, and thermodynamic stability) performed at Invitae indicates that this missense variant is expected to disrupt MEN1 protein function with a positive predictive value of 95%. In summary, the available evidence is currently insufficient to determine the role of this variant in disease. Therefore, it has been classified as a Variant of Uncertain Significance.

Ambry Genetics
Classification: Uncertain significance for Hereditary cancer-predisposing syndrome. Last evaluated: 2023-11-29. Review status: criteria provided, single submitter. Criteria: Ambry Variant Classification Scheme 2023. Collection method: clinical testing. Allele origin: germline.
Comment: The p.P492R variant (also known as c.1475C>G), located in coding exon 9 of the MEN1 gene, results from a C to G substitution at nucleotide position 1475. The proline at codon 492 is replaced by arginine, an amino acid with dissimilar properties. This alteration has been reported in an individual with primary hyperparathyroidism (Kaur G et al. J Bone Miner Res, 2022 Oct;37:1860-1875). This amino acid position is well conserved in available vertebrate species. In addition, the in silico prediction for this alteration is inconclusive. Since supporting evidence is limited at this time, the clinical significance of this alteration remains unclear.

Juno Genomics, Hangzhou Juno Genomics, Inc
Classification: Uncertain significance for Multiple endocrine neoplasia, type 1. Review status: criteria provided, single submitter. Criteria: ACMG Guidelines, 2015. Collection method: clinical testing. Allele origin: germline.
Comment: Absent from controls (or at extremely low frequency if recessive) in Genome Aggregation Database.;Missense variant in a gene that has a low rate of benign missense variation.

Literature cited by the submitters: PubMed 35856247 (cited by Ambry Genetics).